The following is an entry in ClinVar:

NM_000059.4(BRCA2):c.9117+1G>T

Gene: BRCA2 (BRCA2 DNA repair associated; plus strand). Cytogenetic location: 13q13.1.
Variant type: single nucleotide variant.
Coding change: c.9117+1G>T on transcript NM_000059.4 (MANE Select); the canonical splice donor site of the intron after coding-DNA position 9117, G replaced by T.
Molecular consequence: splice donor variant.
Genome position (GRCh38, 1-based): chr13:32,379,914, G>T. VCF-style: chr13-32379914-G-T. GRCh37 (hg19) VCF-style: chr13-32954051-G-T.
Other names: IVS23+1G>T; c.9066+1G>T (NM_001406720.1); c.9021+1G>T (NM_001406719.1); c.4185+1G>T (NM_001406721.1); c.2700+1G>T (NM_001406722.1).
Identifiers: ClinVar variation 52755 (VCV000052755.7), dbSNP rs81002802, ClinGen allele CA025990.

ClinVar aggregate classification (germline): Pathogenic. Review status: criteria provided, multiple submitters, no conflicts (2 of 4 stars). 3 submissions from 3 submitters: Pathogenic (2). 1 of the submissions does not count toward it. Last evaluated 2023-06-06.

Conditions:
Breast-ovarian cancer, familial, susceptibility to, 2 (BROVCA2). Also called: BRCA2 Hereditary Breast and Ovarian Cancer. Identifiers: Orphanet 145, MedGen C2675520, MONDO:0012933, OMIM 612555. Disease mechanism: loss of function.

Submissions (3):

KCCC/NGS Laboratory, Kuwait Cancer Control Center
Classification: Pathogenic for Breast-ovarian cancer, familial, susceptibility to, 2. Last evaluated: 2023-06-06. Review status: criteria provided, single submitter. Criteria: ACMG Guidelines, 2015. Collection method: clinical testing. Allele origin: germline. Affected: yes.
Comment: A known pathogenic mutation was detected in the BRCA2 gene (c.9117+G>T). This sequence change, located in intron 23 of the BRCA2 gene, affects the splice site. This nucleotide position is highly conserved. Nucleotide substitutions within the consensus splice site are a relatively common cause of aberrant splicing (PMID: 17576681, 9536098). This sequence change is expected to cause aberrant splicing, leading to skipping of exon 23 of the BRCA2 mRNA. This leads to a frameshift at codon 2985 and a premature stop signal (Val2985Glyfs*3), and is expected to result in an absent or disrupted protein product (PMID: 22632462, 23451180, 22505045, 25382762, 23035815). The c.9117+G>A, which affected the same splice site, has been observed in families affected with breast and/or ovarian cancer (PMID: 24156927, 23199084).Alterations that disrupt the canonical splice site are expected to cause aberrant splicing, resulting in an abnormal protein or a transcript that is subject to nonsense-mediated mRNA decay. Therefore, this variant has been classified as Pathogenic.

Consortium of Investigators of Modifiers of BRCA1/2 (CIMBA), c/o University of Cambridge
Classification: Pathogenic for Breast-ovarian cancer, familial, susceptibility to, 2. Last evaluated: 2015-10-02. Review status: criteria provided, single submitter. Criteria: CIMBA Mutation Classification guidelines May 2016. Collection method: clinical testing. Allele origin: germline.

Breast Cancer Information Core (BIC) (BRCA2)
Classification: Pathogenic for Breast-ovarian cancer, familial 2. Last evaluated: 1999-06-22. Review status: no assertion criteria provided. Collection method: clinical testing. Allele origin: germline. Affected: yes. Observed: 1 variant allele. Not counted in ClinVar's aggregate classification.